The following is an entry in ClinVar:

ClinVar aggregate classification (germline): Conflicting classifications of pathogenicity. Review status: criteria provided, conflicting classifications (1 of 4 stars). 4 submissions from 4 submitters: Uncertain significance (2); Likely benign (1). 1 of the submissions does not count toward it. Last evaluated 2025-10-01.

Conditions:
Joubert syndrome 10 (JBTS10). Identifiers: Orphanet 2754, MedGen C2749019, MONDO:0010431, OMIM 300804.
Orofaciodigital syndrome I (OFD1). Also called: Oral-Facial-Digital Syndrome Type I; Papillon-Leage and Psaume Syndrome; OFDS I. Identifiers: Orphanet 2750, MedGen C1510460, MONDO:0010702, OMIM 311200.
Retinitis pigmentosa 23 (RP23). Identifiers: Orphanet 791, MedGen C1419610, MONDO:0010320, OMIM 300424.
Simpson-Golabi-Behmel syndrome type 2. Identifiers: Orphanet 79022, MedGen C1846175, MONDO:0010265, OMIM 300209.
Primary ciliary dyskinesia. Also called: Ciliary dyskinesia. Identifiers: Orphanet 244, MedGen C0008780, MONDO:0016575, HP:0012265.
Intellectual disability. Also called: Intellectual functioning disability; Intellectual developmental disorder; intellectual disabilities. Identifiers: MedGen C3714756, MeSH D008607, MONDO:0001071, HP:0001249.
Joubert syndrome. Also called: JOUBERT-BOLTSHAUSER SYNDROME; Familial aplasia of the vermis. Identifiers: Orphanet 475, MedGen C5979921, MONDO:0018772.

gnomAD v4.1: 8 of 1,202,374 alleles (0.00067%); highest among the groups gnomAD compares: Non-Finnish European, 0.0009%; no homozygotes.

Submissions (4):

Ambry Genetics
Classification: Likely benign for Primary ciliary dyskinesia. Last evaluated: 2025-10-01. Review status: criteria provided, single submitter. Criteria: Ambry Variant Classification Scheme 2023. Collection method: clinical testing. Allele origin: germline.

Fulgent Genetics
Classification: Uncertain significance for Simpson-Golabi-Behmel syndrome type 2; Retinitis pigmentosa 23; Joubert syndrome 10; Orofaciodigital syndrome I. Last evaluated: 2024-05-08. Review status: criteria provided, single submitter. Criteria: ACMG Guidelines, 2015. Collection method: clinical testing. Allele origin: germline.

Labcorp Genetics (formerly Invitae), Labcorp
Classification: Uncertain significance for Orofaciodigital syndrome I; Joubert syndrome. Last evaluated: 2024-02-04. Review status: criteria provided, single submitter. Criteria: Invitae Variant Classification Sherloc (09022015). Collection method: clinical testing. Allele origin: germline.
Comment: This sequence change replaces valine, which is neutral and non-polar, with isoleucine, which is neutral and non-polar, at codon 128 of the OFD1 protein (p.Val128Ile). This variant is not present in population databases (gnomAD no frequency). This variant has not been reported in the literature in individuals affected with OFD1-related conditions. ClinVar contains an entry for this variant (Variation ID: 975456). Algorithms developed to predict the effect of missense changes on protein structure and function output the following: SIFT: "Not Available"; PolyPhen-2: "Benign"; Align-GVGD: "Not Available". The isoleucine amino acid residue is found in multiple mammalian species, which suggests that this missense change does not adversely affect protein function. In summary, the available evidence is currently insufficient to determine the role of this variant in disease. Therefore, it has been classified as a Variant of Uncertain Significance.

Centre de Biologie Pathologie Génétique, Centre Hospitalier Universitaire de Lille
Classification: Likely benign for Intellectual disability. Last evaluated: 2019-01-01. Review status: no assertion criteria provided. Collection method: clinical testing. Allele origin: inherited. Affected: yes. Not counted in ClinVar's aggregate classification.

NM_003611.3(OFD1):c.382G>A (p.Val128Ile)

Gene: OFD1 (OFD1 centriole and centriolar satellite protein; plus strand). Cytogenetic location: Xp22.2.
Variant type: single nucleotide variant.
Coding change: c.382G>A on transcript NM_003611.3 (MANE Select); coding-DNA position 382, G replaced by A.
Protein change: p.Val128Ile; replaces valine 128 with isoleucine.
Molecular consequence: missense variant. On other transcripts: 5 prime UTR variant (1).
Genome position (GRCh38, 1-based): chrX:13,739,002, G>A. VCF-style: chrX-13739002-G-A. GRCh37 (hg19) VCF-style: chrX-13757121-G-A.
Other names: c.382G>A, p.Val128Ile (NM_001330209.2); c.-164G>A (NM_001330210.2); short protein forms V128I.
Identifiers: ClinVar variation 975456 (VCV000975456.5), dbSNP rs766600036, ClinGen allele CA412333972.